The following is an entry in ClinVar:

ClinVar aggregate classification (germline): Conflicting classifications of pathogenicity. Review status: criteria provided, conflicting classifications (1 of 4 stars). 7 submissions from 7 submitters: Uncertain significance (5); Benign (1); Likely benign (1). Last evaluated 2025-10-20.

Conditions:
Neurofibromatosis, type 2 (SWNV). Also called: SCHWANNOMATOSIS, VESTIBULAR; BILATERAL ACOUSTIC NEUROFIBROMATOSIS; NF2-Related Schwannomatosis. Identifiers: Orphanet 637, MedGen C0027832, MONDO:0007039, OMIM 101000. Disease mechanism: loss of function.
NF2-related disorder. Also called: NF2-related condition.
Hereditary cancer-predisposing syndrome. Also called: Hereditary neoplastic syndrome; Hereditary Cancer Syndrome; Neoplastic Syndromes, Hereditary; Tumor predisposition. Identifiers: Orphanet 140162, MedGen C0027672, MeSH D009386, MONDO:0015356.

Allele frequency attached by ClinVar (database versions not stated): ExAC 0.00001; gnomAD exomes 0.00001.
gnomAD v4.1: 5 of 1,614,182 alleles (0.00031%); highest among the groups gnomAD compares: Admixed American, 0.005%; no homozygotes.

Submissions (7):

Labcorp Genetics (formerly Invitae), Labcorp
Classification: Likely benign for Neurofibromatosis, type 2. Last evaluated: 2025-10-20. Review status: criteria provided, single submitter. Criteria: Invitae Variant Classification Sherloc (09022015). Collection method: clinical testing. Allele origin: germline.

PreventionGenetics, part of Exact Sciences
Classification: Uncertain significance for NF2-related condition. Last evaluated: 2025-10-08. Review status: criteria provided, single submitter. Criteria: ACMG Guidelines, 2015. Collection method: clinical testing. Allele origin: germline.
Comment: The NF2 c.1502T>C variant is predicted to result in the amino acid substitution p.Ile501Thr. To our knowledge, this variant has not been reported in the literature. This variant is reported in 0.0087% of alleles in individuals of Latino descent in gnomAD. At this time, the clinical significance of this variant is uncertain due to the absence of conclusive functional and genetic evidence.

All of Us Research Program, National Institutes of Health
Classification: Uncertain significance for Neurofibromatosis, type 2. Last evaluated: 2024-02-22. Review status: criteria provided, single submitter. Criteria: ACMG Guidelines, 2015. Collection method: clinical testing. Allele origin: germline. Inheritance: Autosomal dominant inheritance. Observed: 3 variant alleles, 3 heterozygotes.
Comment: This missense variant replaces isoleucine with threonine at codon 501 of the NF2 protein. Computational prediction suggests that this variant may not impact protein structure and function (internally defined REVEL score threshold <= 0.5, PMID: 27666373). To our knowledge, functional studies have not been reported for this variant. This variant has not been reported in individuals affected with NF2-related disorders in the literature. This variant has been identified in 3/251496 chromosomes in the general population by the Genome Aggregation Database (gnomAD). The available evidence is insufficient to determine the role of this variant in disease conclusively. Therefore, this variant is classified as a Variant of Uncertain Significance.

This study involves interpretation of variants in research participants for the purpose of population health screening. Participant phenotype was not available at the time of variant classification. Additional details can be found in publication PMID: 35346344, PMCID: PMC8962531

Color Diagnostics, LLC DBA Color Health
Classification: Uncertain significance for Neurofibromatosis, type 2. Last evaluated: 2024-02-01. Review status: criteria provided, single submitter. Criteria: ACMG Guidelines, 2015. Collection method: clinical testing. Allele origin: germline.
Comment: This missense variant replaces isoleucine with threonine at codon 501 of the NF2 protein. Computational prediction suggests that this variant may not impact protein structure and function. To our knowledge, functional studies have not been reported for this variant. This variant has not been reported in individuals affected with NF2-related disorders in the literature. This variant has been identified in 3/251496 chromosomes in the general population by the Genome Aggregation Database (gnomAD). The available evidence is insufficient to determine the role of this variant in disease conclusively. Therefore, this variant is classified as a Variant of Uncertain Significance.

GeneDx
Classification: Uncertain significance. Last evaluated: 2022-08-08. Review status: criteria provided, single submitter. Criteria: GeneDx Variant Classification Process June 2021. Collection method: clinical testing. Allele origin: germline. Affected: yes.
Comment: In silico analysis supports that this missense variant does not alter protein structure/function; Has not been previously published as pathogenic or benign to our knowledge

Ambry Genetics
Classification: Benign for Hereditary cancer-predisposing syndrome. Last evaluated: 2022-06-16. Review status: criteria provided, single submitter. Criteria: Ambry Variant Classification Scheme 2023. Collection method: clinical testing. Allele origin: germline.

Genome-Nilou Lab
Classification: Uncertain significance for Neurofibromatosis, type 2. Last evaluated: 2021-11-07. Review status: criteria provided, single submitter. Criteria: ACMG Guidelines, 2015. Collection method: clinical testing. Allele origin: germline. Affected: no.

NM_000268.4(NF2):c.1502T>C (p.Ile501Thr)

Gene: NF2 (NF2, moesin-ezrin-radixin like (MERLIN) tumor suppressor; plus strand). Cytogenetic location: 22q12.2.
Variant type: single nucleotide variant.
Coding change: c.1502T>C on transcript NM_000268.4 (MANE Select); coding-DNA position 1502, T replaced by C.
Protein change: p.Ile501Thr; replaces isoleucine 501 with threonine.
Molecular consequence: missense variant. On other transcripts: non-coding transcript variant (1), intron variant (1).
Genome position (GRCh38, 1-based): chr22:29,678,251, T>C. VCF-style: chr22-29678251-T-C. GRCh37 (hg19) VCF-style: chr22-30074240-T-C.
Other names: c.1502T>C (NM_181832.2); c.1502T>C, p.Ile501Thr (NM_016418.5, NM_181825.3, NM_181832.3); c.1376T>C, p.Ile459Thr (NM_181828.3); c.1379T>C, p.Ile460Thr (NM_181829.3); c.1253T>C, p.Ile418Thr (NM_181830.3, NM_181831.3); c.448-16501T>C (NM_181833.3); short protein forms I501T, I418T, I460T, I459T.
Identifiers: ClinVar variation 527701 (VCV000527701.19), dbSNP rs767682136, ClinGen allele CA031798.